The following is an entry in ClinVar:

ClinVar aggregate classification (germline): Uncertain significance. Review status: criteria provided, multiple submitters, no conflicts (2 of 4 stars). 3 submissions from 3 submitters: Uncertain significance (3). Last evaluated 2023-12-06.

Conditions:
Hereditary cancer-predisposing syndrome. Also called: Tumor predisposition; Hereditary Cancer Syndrome; Hereditary neoplastic syndrome; Neoplastic Syndromes, Hereditary. Identifiers: Orphanet 140162, MedGen C0027672, MeSH D009386, MONDO:0015356.
BAP1-related tumor predisposition syndrome (TPDS1). Also called: Tumor susceptibility linked to germline BAP1 mutations; TUMOR PREDISPOSITION SYNDROME 1; BAP1 tumor predisposition syndrome; COMMON Syndrome. Identifiers: Orphanet 289539, MedGen C3280492, MONDO:0013692, OMIM 614327.

Allele frequency attached by ClinVar (database versions not stated): gnomAD exomes below 0.00001; TOPMed below 0.00001; gnomAD 0.00001.
gnomAD v4.1: 3 of 1,570,084 alleles (0.00019%); highest among the groups gnomAD compares: African/African-American, 0.0013%; no homozygotes.

Submissions (3):

Color Diagnostics, LLC DBA Color Health
Classification: Uncertain significance for Hereditary cancer-predisposing syndrome. Last evaluated: 2023-12-06. Review status: criteria provided, single submitter. Criteria: ACMG Guidelines, 2015. Collection method: clinical testing. Allele origin: germline.
Comment: This missense variant replaces valine with methionine at codon 698 of the BAP1 protein. Computational prediction suggests that this variant may not impact protein structure and function (internally defined REVEL score threshold <= 0.5, PMID: 27666373). To our knowledge, functional studies have not been reported for this variant. This variant has not been reported in individuals affected with BAP1-related disorders in the literature. This variant has not been identified in the general population by the Genome Aggregation Database (gnomAD). The available evidence is insufficient to determine the role of this variant in disease conclusively. Therefore, this variant is classified as a Variant of Uncertain Significance.

Labcorp Genetics (formerly Invitae), Labcorp
Classification: Uncertain significance for BAP1-related tumor predisposition syndrome. Last evaluated: 2023-11-10. Review status: criteria provided, single submitter. Criteria: Invitae Variant Classification Sherloc (09022015). Collection method: clinical testing. Allele origin: germline.
Comment: This sequence change replaces valine, which is neutral and non-polar, with methionine, which is neutral and non-polar, at codon 698 of the BAP1 protein (p.Val698Met). The frequency data for this variant in the population databases is considered unreliable, as metrics indicate poor data quality at this position in the gnomAD database. This variant has not been reported in the literature in individuals affected with BAP1-related conditions. Advanced modeling of protein sequence and biophysical properties (such as structural, functional, and spatial information, amino acid conservation, physicochemical variation, residue mobility, and thermodynamic stability) performed at Invitae indicates that this missense variant is not expected to disrupt BAP1 protein function with a negative predictive value of 80%. In summary, the available evidence is currently insufficient to determine the role of this variant in disease. Therefore, it has been classified as a Variant of Uncertain Significance.

Ambry Genetics
Classification: Uncertain significance for Hereditary cancer-predisposing syndrome. Last evaluated: 2023-07-15. Review status: criteria provided, single submitter. Criteria: Ambry Variant Classification Scheme 2023. Collection method: clinical testing. Allele origin: germline.
Comment: The p.V698M variant (also known as c.2092G>A), located in coding exon 17 of the BAP1 gene, results from a G to A substitution at nucleotide position 2092. The valine at codon 698 is replaced by methionine, an amino acid with highly similar properties. This amino acid position is conserved. In addition, this alteration is predicted to be tolerated by in silico analysis. Since supporting evidence is limited at this time, the clinical significance of this alteration remains unclear.

NM_004656.4(BAP1):c.2092G>A (p.Val698Met)

Gene: BAP1 (BRCA1 associated deubiquitinase 1; minus strand). Cytogenetic location: 3p21.1.
Variant type: single nucleotide variant.
Coding change: c.2092G>A on transcript NM_004656.4 (MANE Select); coding-DNA position 2092, G replaced by A.
Protein change: p.Val698Met; replaces valine 698 with methionine.
Molecular consequence: missense variant.
Genome position (GRCh38, 1-based): chr3:52,402,386, C>T on the plus strand (G>A on the coding strand, the complement: BAP1 is on the minus strand). VCF-style: chr3-52402386-C-T. GRCh37 (hg19) VCF-style: chr3-52436402-C-T.
Other names: c.2038G>A, p.Val680Met (NM_001410772.1); short protein forms V680M, V698M.
Identifiers: ClinVar variation 2589231 (VCV002589231.6), dbSNP rs753438711, ClinGen allele CA2436591.